The following is an entry in ClinVar:

NM_001378615.1(CC2D2A):c.2844G>A (p.Arg948=)

Genes: CC2D2A (coiled-coil and C2 domain containing 2A; plus strand), FBXL5 (F-box and leucine rich repeat protein 5; minus strand). Cytogenetic location: 4p15.32.
Variant type: single nucleotide variant.
Coding change: c.2844G>A on transcript NM_001378615.1 (MANE Select); coding-DNA position 2844, G replaced by A.
Protein change: p.Arg948=; no amino-acid change (arginine 948 retained).
Molecular consequence: synonymous variant.
Genome position (GRCh38, 1-based): chr4:15,559,179, G>A. VCF-style: chr4-15559179-G-A. GRCh37 (hg19) VCF-style: chr4-15560802-G-A.
Other names: c.2844G>A, p.Arg948= (NM_001080522.2); c.2697G>A, p.Arg899= (NM_001378617.1).
Identifiers: ClinVar variation 347844 (VCV000347844.61), dbSNP rs182369056, ClinGen allele CA2864023.
Genomic context (GRCh38, chr4:15,559,179, plus strand): 5'-AAGCACCAGAGAGTGCTTTAAAATCATTGCCTCTTTTTAATTTTAGGACTATGAGAAACG[G>A]TTACGAGACAGAAATGTAATAGAAACCAAGGAACACATAGACACCCATAGGGCCATAGTA-3'
Protein context (NP_001365544.1, residues 938-958): MEKVFQDYEK[Arg948=]LRDRNVIETK

ClinVar aggregate classification (germline): Conflicting classifications of pathogenicity. Review status: criteria provided, conflicting classifications (1 of 4 stars). 6 submissions from 5 submitters: Uncertain significance (3); Likely benign (3). Last evaluated 2026-01-09.

Conditions:
Meckel-Gruber syndrome. Also called: Dysencephalia splachnocystica; DYSENCEPHALIA SPLANCHNOCYSTICA; GRUBER SYNDROME. Identifiers: Orphanet 564, MedGen C0265215, MONDO:0018921.
Joubert syndrome. Also called: JOUBERT-BOLTSHAUSER SYNDROME; Familial aplasia of the vermis. Identifiers: Orphanet 475, MedGen C5979921, MONDO:0018772.
Joubert syndrome 9 (JBTS9). Identifiers: Orphanet 2318, MedGen C2676788, MONDO:0012849, OMIM 612285.
Meckel syndrome, type 6. Identifiers: Orphanet 564, MedGen C2676790, MONDO:0012848, OMIM 612284.

Allele frequency attached by ClinVar (database versions not stated): 1000 Genomes Project 30x 0.00016; 1000 Genomes Project 0.00020; ExAC 0.00025; gnomAD exomes 0.00025; TOPMed 0.00028; gnomAD 0.00029; ESP Exome Variant Server 0.00060.
gnomAD v4.1: 700 of 1,548,428 alleles (0.045%); highest among the groups gnomAD compares: Non-Finnish European, 0.058%; no homozygotes.

Submissions (6):

Labcorp Genetics (formerly Invitae), Labcorp
Classification: Likely benign for Joubert syndrome; Meckel-Gruber syndrome. Last evaluated: 2026-01-09. Review status: criteria provided, single submitter. Criteria: Invitae Variant Classification Sherloc (09022015). Collection method: clinical testing. Allele origin: germline.

CeGaT Center for Human Genetics Tuebingen
Classification: Likely benign. Last evaluated: 2025-05-01. Review status: criteria provided, single submitter. Criteria: CeGaT Center For Human Genetics Tuebingen Variant Classification Criteria Version 2. Collection method: clinical testing. Allele origin: germline. Affected: yes. Observed: 5 variant alleles.
Comment: CC2D2A: BP4, BP7

Blueprint Genetics
Classification: Likely benign. Last evaluated: 2024-08-02. Review status: criteria provided, single submitter. Criteria: ACMG Guidelines, 2015. Collection method: clinical testing. Allele origin: germline.

Illumina Laboratory Services, Illumina
Classification: Uncertain significance for Joubert syndrome 9. Last evaluated: 2018-01-12. Review status: criteria provided, single submitter. Criteria: ICSL Variant Classification Criteria 13 December 2019. Collection method: clinical testing. Allele origin: germline.

Illumina Laboratory Services, Illumina
Classification: Uncertain significance for Meckel syndrome, type 6. Last evaluated: 2018-01-12. Review status: criteria provided, single submitter. Criteria: ICSL Variant Classification Criteria 13 December 2019. Collection method: clinical testing. Allele origin: germline.

Eurofins Ntd Llc (ga)
Classification: Uncertain significance. Last evaluated: 2017-01-09. Review status: criteria provided, single submitter. Criteria: EGL Classification Definitions 2015. Collection method: clinical testing. Allele origin: germline. Observed: 3 variant alleles, 3 heterozygotes.